The following is an entry in ClinVar:

ClinVar aggregate classification (germline): Uncertain significance (0 of 4 stars; one submission).

Submission:

Martin Pollak Laboratory,  Beth Israel Deaconess Medical Center
Classification: Uncertain significance. Review status: no assertion criteria provided. Collection method: not provided. Allele origin: unknown.
Comment: Lower and higher UCa2+ groups
ClinVar note: Converted during submission from unknown to Uncertain significance.

NM_000338.3(SLC12A1):c.13A>G (p.Asn5Asp)

Gene: SLC12A1 (solute carrier family 12 member 1; plus strand). Cytogenetic location: 15q21.1.
Variant type: single nucleotide variant.
Coding change: c.13A>G on transcript NM_000338.3 (MANE Select); coding-DNA position 13, A replaced by G.
Protein change: p.Asn5Asp; replaces asparagine 5 with aspartic acid.
Molecular consequence: missense variant.
Genome position (GRCh38, 1-based): chr15:48,207,732, A>G. VCF-style: chr15-48207732-A-G. GRCh37 (hg19) VCF-style: chr15-48499929-A-G.
Other names: c.13A>G, p.Asn5Asp (NM_001184832.2); short protein forms N5D.
Identifiers: ClinVar variation 64405 (VCV000064405.2), dbSNP rs387907466, ClinGen allele CA216072.
Genomic context (GRCh38, chr15:48,207,732, plus strand): 5'-TAAAACAACCACAAAGTAGATAGCTCAGTAAAAAATCAATTTTGGAAGATGTCACTGAAC[A>G]ACTCTTCCAATGTATTTCTGGATTCAGTGCCCAGTAATACCAATCGCTTTCAAGTTAGTG-3'
Protein context (NP_000329.2, residues 1-15): MSLN[Asn5Asp]SSNVFLDSVP